The following is an entry in ClinVar:

NM_014003.4(DHX38):c.716A>G (p.Tyr239Cys)

Gene: DHX38 (DEAH-box helicase 38; plus strand). Cytogenetic location: 16q22.2.
Variant type: single nucleotide variant.
Coding change: c.716A>G on transcript NM_014003.4 (MANE Select); coding-DNA position 716, A replaced by G.
Protein change: p.Tyr239Cys; replaces tyrosine 239 with cysteine.
Molecular consequence: missense variant.
Genome position (GRCh38, 1-based): chr16:72,098,744, A>G. VCF-style: chr16-72098744-A-G. GRCh37 (hg19) VCF-style: chr16-72132643-A-G.
Other names: short protein forms Y239C.
Identifiers: ClinVar variation 1009284 (VCV001009284.10), dbSNP rs181471020, ClinGen allele CA8160050.

ClinVar aggregate classification (germline): Uncertain significance. Review status: criteria provided, multiple submitters, no conflicts (2 of 4 stars). 3 submissions from 3 submitters: Uncertain significance (3). Last evaluated 2025-07-03.

Conditions:
Retinitis pigmentosa 84 (RP84). Identifiers: MedGen C4748725, MONDO:0032604, OMIM 618220.

gnomAD v4.1: 18 of 1,614,016 alleles (0.0011%); highest among the groups gnomAD compares: Middle Eastern, 0.016%; no homozygotes.

Submissions (3):

Labcorp Genetics (formerly Invitae), Labcorp
Classification: Uncertain significance. Last evaluated: 2025-07-03. Review status: criteria provided, single submitter. Criteria: Invitae Variant Classification Sherloc (09022015). Collection method: clinical testing. Allele origin: germline.
Comment: This sequence change replaces tyrosine, which is neutral and polar, with cysteine, which is neutral and slightly polar, at codon 239 of the DHX38 protein (p.Tyr239Cys). This variant is present in population databases (rs181471020, gnomAD 0.007%). This variant has not been reported in the literature in individuals affected with DHX38-related conditions. ClinVar contains an entry for this variant (Variation ID: 1009284). An algorithm developed to predict the effect of missense changes on protein structure and function outputs the following: PolyPhen-2: "Benign". The cysteine amino acid residue is found in multiple mammalian species, which suggests that this missense change does not adversely affect protein function. In summary, the available evidence is currently insufficient to determine the role of this variant in disease. Therefore, it has been classified as a Variant of Uncertain Significance.

Blueprint Genetics
Classification: Uncertain significance. Last evaluated: 2024-01-23. Review status: criteria provided, single submitter. Criteria: ACMG Guidelines, 2015. Collection method: clinical testing. Allele origin: germline.

Revvity Omics, Revvity
Classification: Uncertain significance for Retinitis pigmentosa 84. Last evaluated: 2021-08-03. Review status: criteria provided, single submitter. Criteria: ACMG Guidelines, 2015. Collection method: clinical testing. Allele origin: germline.